The following is an entry in ClinVar:

NM_004991.4(MECOM):c.547G>A (p.Glu183Lys)

Gene: MECOM (MDS1 and EVI1 complex locus; minus strand). Cytogenetic location: 3q26.2.
Variant type: single nucleotide variant.
Coding change: c.547G>A on transcript NM_004991.4 (MANE Select); coding-DNA position 547, G replaced by A.
Protein change: p.Glu183Lys; replaces glutamic acid 183 with lysine.
Molecular consequence: missense variant. On other transcripts: 5 prime UTR variant (12).
Genome position (GRCh38, 1-based): chr3:169,131,495, C>T on the plus strand (G>A on the coding strand, the complement: MECOM is on the minus strand). VCF-style: chr3-169131495-C-T. GRCh37 (hg19) VCF-style: chr3-168849283-C-T.
Other names: c.175G>A, p.Glu59Lys (NM_001105077.4); c.-18G>A (NM_001105078.4, NM_001163999.2, NM_001164000.2 and 9 more transcripts); c.547G>A, p.Glu183Lys (NM_001366466.2, NM_001366473.2); short protein forms E59K, E183K.
Identifiers: ClinVar variation 4824289 (VCV004824289.1).

ClinVar aggregate classification (germline): Uncertain significance (1 of 4 stars; one submission).

Conditions:
Inborn genetic diseases. Identifiers: MedGen C0950123, MeSH D030342.

Submission:

Ambry Genetics
Classification: Uncertain significance for Inborn genetic diseases. Last evaluated: 2026-01-16. Review status: criteria provided, single submitter. Criteria: Ambry Variant Classification Scheme 2023. Collection method: clinical testing. Allele origin: germline.
Comment: The p.E183K variant (also known as c.547G>A), located in coding exon 4 of the MECOM gene, results from a G to A substitution at nucleotide position 547. The glutamic acid at codon 183 is replaced by lysine, an amino acid with similar properties. This amino acid position is conserved. In addition, the in silico prediction for this alteration is inconclusive. Based on the available evidence, the clinical significance of this variant remains unclear.